The following is an entry in ClinVar:

NM_001378457.1(DMXL2):c.1235G>A (p.Arg412Gln)

Gene: DMXL2 (Dmx like 2; minus strand). Cytogenetic location: 15q21.2.
Variant type: single nucleotide variant.
Coding change: c.1235G>A on transcript NM_001378457.1 (MANE Select); coding-DNA position 1235, G replaced by A.
Protein change: p.Arg412Gln; replaces arginine 412 with glutamine.
Molecular consequence: missense variant. On other transcripts: non-coding transcript variant (2), intron variant (1).
Genome position (GRCh38, 1-based): chr15:51,538,323, C>T on the plus strand (G>A on the coding strand, the complement: DMXL2 is on the minus strand). VCF-style: chr15-51538323-C-T. GRCh37 (hg19) VCF-style: chr15-51830520-C-T.
Other names: c.1235G>A, p.Arg412Gln (NM_001378458.1, NM_001378459.1, NM_001378460.1 and 6 more transcripts); c.1106-564G>A (NM_001378464.1); c.1235G>A (NM_001174116.1); short protein forms R412Q.
Identifiers: ClinVar variation 1440274 (VCV001440274.8), dbSNP rs201307767, ClinGen allele CA7562635.

ClinVar aggregate classification (germline): Uncertain significance. Review status: criteria provided, multiple submitters, no conflicts (2 of 4 stars). 2 submissions from 2 submitters: Uncertain significance (2). Last evaluated 2025-08-08.

Conditions:
Inborn genetic diseases. Identifiers: MedGen C0950123, MeSH D030342.

Allele frequency attached by ClinVar (database versions not stated): gnomAD exomes 0.00001 and 0.00002; ExAC 0.00002; gnomAD 0.00003; TOPMed 0.00004; 1000 Genomes Project 0.00020; 1000 Genomes Project 30x 0.00031.
gnomAD v4.1: 26 of 1,613,792 alleles (0.0016%); highest among the groups gnomAD compares: Middle Eastern, 0.017%; no homozygotes.

Submissions (2):

Ambry Genetics
Classification: Uncertain significance for Inborn genetic diseases. Last evaluated: 2025-08-08. Review status: criteria provided, single submitter. Criteria: Ambry Variant Classification Scheme 2023. Collection method: clinical testing. Allele origin: germline.

Labcorp Genetics (formerly Invitae), Labcorp
Classification: Uncertain significance. Last evaluated: 2022-06-24. Review status: criteria provided, single submitter. Criteria: Invitae Variant Classification Sherloc (09022015). Collection method: clinical testing. Allele origin: germline.
Comment: This sequence change replaces arginine, which is basic and polar, with glutamine, which is neutral and polar, at codon 412 of the DMXL2 protein (p.Arg412Gln). This variant is present in population databases (rs201307767, gnomAD 0.01%). This variant has not been reported in the literature in individuals affected with DMXL2-related conditions. Algorithms developed to predict the effect of missense changes on protein structure and function are either unavailable or do not agree on the potential impact of this missense change (SIFT: "Tolerated"; PolyPhen-2: "Possibly Damaging"; Align-GVGD: "Class C0"). In summary, the available evidence is currently insufficient to determine the role of this variant in disease. Therefore, it has been classified as a Variant of Uncertain Significance.